The following is an entry in ClinVar:

ClinVar aggregate classification (germline): Uncertain significance (1 of 4 stars; one submission).

Allele frequency attached by ClinVar (database versions not stated): TOPMed below 0.00001.

Submission:

Labcorp Genetics (formerly Invitae), Labcorp
Classification: Uncertain significance. Last evaluated: 2022-04-06. Review status: criteria provided, single submitter. Criteria: Invitae Variant Classification Sherloc (09022015). Collection method: clinical testing. Allele origin: germline.
Comment: This sequence change replaces threonine, which is neutral and polar, with asparagine, which is neutral and polar, at codon 466 of the SLC16A1 protein (p.Thr466Asn). This variant is not present in population databases (gnomAD no frequency). This variant has not been reported in the literature in individuals affected with SLC16A1-related conditions. Algorithms developed to predict the effect of missense changes on protein structure and function (SIFT, PolyPhen-2, Align-GVGD) all suggest that this variant is likely to be tolerated. In summary, the available evidence is currently insufficient to determine the role of this variant in disease. Therefore, it has been classified as a Variant of Uncertain Significance.

NM_003051.4(SLC16A1):c.1397C>A (p.Thr466Asn)

Gene: SLC16A1 (solute carrier family 16 member 1; minus strand). Cytogenetic location: 1p13.2.
Variant type: single nucleotide variant.
Coding change: c.1397C>A on transcript NM_003051.4 (MANE Select); coding-DNA position 1397, C replaced by A.
Protein change: p.Thr466Asn; replaces threonine 466 with asparagine.
Molecular consequence: missense variant.
Genome position (GRCh38, 1-based): chr1:112,913,997, G>T on the plus strand (C>A on the coding strand, the complement: SLC16A1 is on the minus strand). VCF-style: chr1-112913997-G-T. GRCh37 (hg19) VCF-style: chr1-113456619-G-T.
Other names: c.1397C>A, p.Thr466Asn (NM_001166496.2); short protein forms T466N.
Identifiers: ClinVar variation 2181035 (VCV002181035.4), dbSNP rs1430280676, ClinGen allele CA341826862.